The following is an entry in ClinVar:

NM_052813.5(CARD9):c.332G>A (p.Gly111Glu)

Gene: CARD9 (caspase recruitment domain family member 9; minus strand). Cytogenetic location: 9q34.3.
Variant type: single nucleotide variant.
Coding change: c.332G>A on transcript NM_052813.5 (MANE Select); coding-DNA position 332, G replaced by A.
Protein change: p.Gly111Glu; replaces glycine 111 with glutamic acid.
Molecular consequence: missense variant.
Genome position (GRCh38, 1-based): chr9:136,371,136, C>T on the plus strand (G>A on the coding strand, the complement: CARD9 is on the minus strand). VCF-style: chr9-136371136-C-T. GRCh37 (hg19) VCF-style: chr9-139265588-C-T.
Other names: c.332G>A, p.Gly111Glu (NM_052814.4); short protein forms G111E.
Identifiers: ClinVar variation 1052618 (VCV001052618.6), dbSNP rs371695061, ClinGen allele CA201614872.
Genomic context (GRCh38, chr9:136,371,136, plus strand): 5'-TGCACCTTCTTCTGCAGCTTCATGACCTCAGTCATCAGCAGCTGAGTCAGGCCTGACTCC[C>T]CGGACGCGTCTGTGGGCCAGGCCAGTGTCAGATGGTGCCGTGTTCCCCGGTGGCCCAGCT-3'
Protein context (NP_434700.2, residues 101-121): RVFSMIIDAS[Gly111Glu]ESGLTQLLMT

ClinVar aggregate classification (germline): Uncertain significance (1 of 4 stars; one submission).

Conditions:
Predisposition to invasive fungal disease due to CARD9 deficiency (IMD103). Also called: CARD9 IMMUNODEFICIENCY; Candidiasis, familial, 2, autosomal recessive; IMMUNODEFICIENCY 103, SUSCEPTIBILITY TO FUNGAL INFECTIONS. Identifiers: Orphanet 457088, MedGen C1859353, MONDO:0008905, OMIM 212050.

Allele frequency attached by ClinVar (database versions not stated): gnomAD exomes below 0.00001; gnomAD 0.00001; TOPMed 0.00001; ESP Exome Variant Server 0.00008.
gnomAD v4.1: 6 of 1,612,244 alleles (0.00037%); highest among the groups gnomAD compares: Non-Finnish European, 0.00051%; no homozygotes.

Submission:

Labcorp Genetics (formerly Invitae), Labcorp
Classification: Uncertain significance for Predisposition to invasive fungal disease due to CARD9 deficiency. Last evaluated: 2021-09-01. Review status: criteria provided, single submitter. Criteria: Invitae Variant Classification Sherloc (09022015). Collection method: clinical testing. Allele origin: germline.
Comment: This sequence change replaces glycine with glutamic acid at codon 111 of the CARD9 protein (p.Gly111Glu). The glycine residue is highly conserved and there is a moderate physicochemical difference between glycine and glutamic acid. This variant is not present in population databases (ExAC no frequency). This variant has not been reported in the literature in individuals affected with CARD9-related conditions. Algorithms developed to predict the effect of missense changes on protein structure and function (SIFT, PolyPhen-2, Align-GVGD) all suggest that this variant is likely to be disruptive. In summary, the available evidence is currently insufficient to determine the role of this variant in disease. Therefore, it has been classified as a Variant of Uncertain Significance.